The following is an entry in ClinVar:

NM_001887.4(CRYBB1):c.*9C>T

Genes: CRYBA4 (crystallin beta A4; plus strand), CRYBB1 (crystallin beta B1; minus strand). Cytogenetic location: 22q12.1.
Variant type: single nucleotide variant.
Coding change: c.*9C>T on transcript NM_001887.4 (MANE Select); 9 bases downstream of the stop codon, C replaced by T.
Molecular consequence: 3 prime UTR variant.
Genome position (GRCh38, 1-based): chr22:26,599,481, G>A on the plus strand (C>T on the coding strand, the complement: CRYBB1 is on the minus strand). VCF-style: chr22-26599481-G-A. GRCh37 (hg19) VCF-style: chr22-26995445-G-A.
Identifiers: ClinVar variation 3345078 (VCV003345078.1).

ClinVar aggregate classification (germline): Likely benign (0 of 4 stars; one submission).

Conditions:
CRYBB1-related disorder. Also called: CRYBB1-related condition.

gnomAD v4.1: 4 of 1,608,794 alleles (0.00025%); highest among the groups gnomAD compares: African/African-American, 0.004%; no homozygotes.

Submission:

PreventionGenetics, part of Exact Sciences
Classification: Likely benign for CRYBB1-related condition. Last evaluated: 2024-09-17. Review status: no assertion criteria provided. Collection method: clinical testing. Allele origin: germline.
Comment: This variant is classified as likely benign based on ACMG/AMP sequence variant interpretation guidelines (Richards et al. 2015 PMID: 25741868, with internal and published modifications).